The following is an entry in ClinVar:

NM_015702.3(MMADHC):c.566G>A (p.Trp189Ter)

Gene: MMADHC (metabolism of cobalamin associated D; minus strand). Cytogenetic location: 2q23.2.
Variant type: single nucleotide variant.
Coding change: c.566G>A on transcript NM_015702.3 (MANE Select); coding-DNA position 566, G replaced by A.
Protein change: p.Trp189Ter; replaces tryptophan 189 with a stop codon.
Molecular consequence: nonsense.
Genome position (GRCh38, 1-based): chr2:149,575,754, C>T on the plus strand (G>A on the coding strand, the complement: MMADHC is on the minus strand). VCF-style: chr2-149575754-C-T. GRCh37 (hg19) VCF-style: chr2-150432268-C-T.
Other names: short protein forms W189*.
Identifiers: ClinVar variation 2989373 (VCV002989373.3), dbSNP rs2467640486, ClinGen allele CA348870022.

ClinVar aggregate classification (germline): Pathogenic (1 of 4 stars; one submission).

Conditions:
Methylmalonic aciduria and homocystinuria type cblD (MAHCD). Also called: METHYLMALONIC ACIDEMIA, cblH TYPE; Methylmalonic aciduria with homocystinuria cblD type. Identifiers: Orphanet 622, Orphanet 79283, MedGen C1848552, MONDO:0010185, OMIM 277410.

Submission:

Labcorp Genetics (formerly Invitae), Labcorp
Classification: Pathogenic for Methylmalonic aciduria and homocystinuria type cblD. Last evaluated: 2023-03-22. Review status: criteria provided, single submitter. Criteria: Invitae Variant Classification Sherloc (09022015). Collection method: clinical testing. Allele origin: germline.
Comment: This sequence change creates a premature translational stop signal (p.Trp189*) in the MMADHC gene. It is expected to result in an absent or disrupted protein product. Loss-of-function variants in MMADHC are known to be pathogenic (PMID: 18385497). This variant is not present in population databases (gnomAD no frequency). This variant has not been reported in the literature in individuals affected with MMADHC-related conditions. For these reasons, this variant has been classified as Pathogenic.

Literature cited by the submitters: PubMed 18385497.